The following is an entry in ClinVar:

NM_001242896.3(DEPDC5):c.347G>T (p.Arg116Leu)

Gene: DEPDC5 (DEP domain containing 5, GATOR1 subcomplex subunit; plus strand). Cytogenetic location: 22q12.2.
Variant type: single nucleotide variant.
Coding change: c.347G>T on transcript NM_001242896.3 (MANE Select); coding-DNA position 347, G replaced by T.
Protein change: p.Arg116Leu; replaces arginine 116 with leucine.
Molecular consequence: missense variant. On other transcripts: non-coding transcript variant (5), intron variant (2).
Genome position (GRCh38, 1-based): chr22:31,766,652, G>T. VCF-style: chr22-31766652-G-T. GRCh37 (hg19) VCF-style: chr22-32162638-G-T.
Other names: c.347G>T, p.Arg116Leu (NM_001007188.4, NM_001136029.4, NM_001242897.2 and 7 more transcripts); c.279+1592G>T (NM_001369902.1, NM_001369901.1); short protein forms R116L.
Identifiers: ClinVar variation 1496083 (VCV001496083.9), dbSNP rs777623410, ClinGen allele CA411282532.

ClinVar aggregate classification (germline): Uncertain significance. Review status: criteria provided, multiple submitters, no conflicts (2 of 4 stars). 2 submissions from 2 submitters: Uncertain significance (2). Last evaluated 2026-03-10.

Conditions:
Familial focal epilepsy with variable foci (FPEVF). Identifiers: Orphanet 98820, MedGen C1858477, MONDO:0020310.

gnomAD v4.1: 1 of 1,613,482 alleles (0.000062%); highest among the groups gnomAD compares: South Asian, 0.0011%; no homozygotes.

Submissions (2):

Women's Health and Genetics/Laboratory Corporation of America, LabCorp
Classification: Uncertain significance. Last evaluated: 2026-03-10. Review status: criteria provided, single submitter. Criteria: LabCorp Variant Classification Summary - May 2015. Collection method: clinical testing. Allele origin: germline.
Comment: Variant summary: DEPDC5 c.347G>T (p.Arg116Leu) results in a non-conservative amino acid change in the encoded protein sequence. Algorithms developed to predict the effect of missense changes on protein structure and function are either unavailable or do not agree on the potential impact of this missense change. The variant was absent in 248964 control chromosomes. The available data on variant occurrences in the general population are insufficient to allow any conclusion about variant significance. c.347G>T has been observed in individual(s) affected with Brugada syndrome (example: London_2018). These report(s) do not provide unequivocal conclusions about association of the variant with Epilepsy, Familial Focal, With Variable Foci 1. To our knowledge, no experimental evidence demonstrating an impact on protein function has been reported. The following publication has been ascertained in the context of this evaluation (PMID: 30166713). ClinVar contains an entry for this variant (Variation ID: 1496083). Based on the evidence outlined above, the variant was classified as uncertain significance.

Labcorp Genetics (formerly Invitae), Labcorp
Classification: Uncertain significance for Familial focal epilepsy with variable foci. Last evaluated: 2023-12-22. Review status: criteria provided, single submitter. Criteria: Invitae Variant Classification Sherloc (09022015). Collection method: clinical testing. Allele origin: germline.
Comment: This sequence change replaces arginine, which is basic and polar, with leucine, which is neutral and non-polar, at codon 116 of the DEPDC5 protein (p.Arg116Leu). This variant is not present in population databases (gnomAD no frequency). This missense change has been observed in individual(s) with clinical features of Brugada syndrome (PMID: 30166713). ClinVar contains an entry for this variant (Variation ID: 1496083). Experimental studies and prediction algorithms are not available or were not evaluated, and the functional significance of this variant is currently unknown. In summary, the available evidence is currently insufficient to determine the role of this variant in disease. Therefore, it has been classified as a Variant of Uncertain Significance.

Literature cited by the submitters: PubMed 30166713 (cited by Women's Health and Genetics/Laboratory Corporation of America, LabCorp and Labcorp Genetics (formerly Invitae), Labcorp).